The following is an entry in ClinVar:

NM_015087.5(SPART):c.-145G>A

Gene: SPART (spartin; minus strand). Cytogenetic location: 13q13.3.
Variant type: single nucleotide variant.
Coding change: c.-145G>A on transcript NM_015087.5 (MANE Select); 145 bases upstream of the start codon, G replaced by A.
Molecular consequence: 5 prime UTR variant. On other transcripts: intron variant (2).
Genome position (GRCh38, 1-based): chr13:36,346,367, C>T on the plus strand (G>A on the coding strand, the complement: SPART is on the minus strand). VCF-style: chr13-36346367-C-T. GRCh37 (hg19) VCF-style: chr13-36920504-C-T.
Other names: c.-128G>A (NM_001142296.2); c.-2-10535G>A (NM_001142294.2); c.-3+215G>A (NM_001142295.2).
Identifiers: ClinVar variation 311774 (VCV000311774.7), dbSNP rs9566108, ClinGen allele CA10644228.

ClinVar aggregate classification (germline): Benign/Likely benign. Review status: criteria provided, multiple submitters, no conflicts (2 of 4 stars). 3 submissions from 3 submitters: Benign (1); Likely benign (2). Last evaluated 2021-05-15.

Conditions:
Troyer syndrome (SPG20). Identifiers: Orphanet 101000, MedGen C0393559, MONDO:0010156, OMIM 275900.

Allele frequency attached by ClinVar (database versions not stated): gnomAD exomes 0.21951; gnomAD 0.24276 and 0.24877; TOPMed 0.24718; 1000 Genomes Project 30x 0.28201; 1000 Genomes Project 0.28774.
gnomAD v4.1: 37,831 of 152,102 alleles (25%); highest among the groups gnomAD compares: East Asian, 51%; 5,225 homozygotes.

Submissions (3):

GeneDx
Classification: Benign. Last evaluated: 2021-05-15. Review status: criteria provided, single submitter. Criteria: GeneDx Variant Classification Process June 2021. Collection method: clinical testing. Allele origin: germline. Affected: yes.

Illumina Laboratory Services, Illumina
Classification: Likely benign for Troyer syndrome. Last evaluated: 2017-04-27. Review status: criteria provided, single submitter. Criteria: ICSL Variant Classification Criteria 13 December 2019. Collection method: clinical testing. Allele origin: germline.
Comment: This variant was observed as part of a predisposition screen in an ostensibly healthy population. A literature search was performed for the gene, cDNA change, and amino acid change (where applicable). No publications were found based on this search. Allele frequency data from public databases allowed determination this variant is unlikely to cause disease. Therefore, this variant is classified as likely benign.

Breakthrough Genomics
Classification: Likely benign. Review status: criteria provided, single submitter. Criteria: ACMG Guidelines, 2015. Collection method: not provided. Allele origin: germline. Inheritance: Autosomal recessive inheritance. Affected: yes.